The following is an entry in ClinVar:

ClinVar aggregate classification (germline): Pathogenic (1 of 4 stars; one submission).

Conditions:
Developmental and epileptic encephalopathy, 34 (DEE34). Also called: SLC12A5-Related Epilepsy of Infancy with Migrating Focal Seizures; Early infantile epileptic encephalopathy 34. Identifiers: Orphanet 293181, MedGen C4225257, MONDO:0014718, OMIM 616645.

Submission:

Labcorp Genetics (formerly Invitae), Labcorp
Classification: Pathogenic for Developmental and epileptic encephalopathy, 34. Last evaluated: 2023-09-22. Review status: criteria provided, single submitter. Criteria: Invitae Variant Classification Sherloc (09022015). Collection method: clinical testing. Allele origin: germline.
Comment: For these reasons, this variant has been classified as Pathogenic. ClinVar contains an entry for this variant (Variation ID: 2053420). This variant has not been reported in the literature in individuals affected with SLC12A5-related conditions. This variant is not present in population databases (gnomAD no frequency). This sequence change creates a premature translational stop signal (p.Lys429Asnfs*42) in the SLC12A5 gene. It is expected to result in an absent or disrupted protein product. Loss-of-function variants in SLC12A5 are known to be pathogenic (PMID: 26333769, 27436767).

Literature cited by the submitters: PubMed 26333769; PubMed 27436767.

NM_020708.5(SLC12A5):c.1287del (p.Lys429fs)

Gene: SLC12A5 (solute carrier family 12 member 5; plus strand). Cytogenetic location: 20q13.12.
Variant type: Deletion.
Coding change: c.1287del on transcript NM_020708.5 (MANE Select); coding-DNA position 1287, one base deleted (G; older notation c.1287delG).
Protein change: p.Lys429fs; shifts the reading frame from lysine 429.
Molecular consequence: frameshift variant.
Genome position (GRCh38, 1-based): chr20:46,043,682, G deleted. VCF-style (leftmost placement, unchanged base first): chr20-46043681-AG-A. GRCh37 (hg19) VCF-style: chr20-44672320-AG-A.
Other names: c.1356del, p.Lys452fs (NM_001134771.2); short protein forms K452fs, K429fs.
Identifiers: ClinVar variation 2053420 (VCV002053420.4), dbSNP rs2515641701, ClinGen allele CA2580098226.